The following is an entry in ClinVar:

ClinVar aggregate classification (germline): Likely benign (1 of 4 stars; one submission).

Allele frequency attached by ClinVar (database versions not stated): gnomAD exomes below 0.00001; TOPMed below 0.00001.

Submission:

CeGaT Center for Human Genetics Tuebingen
Classification: Likely benign. Last evaluated: 2022-12-01. Review status: criteria provided, single submitter. Criteria: CeGaT Center For Human Genetics Tuebingen Variant Classification Criteria Version 2. Collection method: clinical testing. Allele origin: germline. Affected: yes. Observed: 1 variant allele.
Comment: PRAMEF14: PM2:Supporting, BP4, BP7

NM_001024661.2(PRAMEF14):c.1362C>T (p.Pro454=)

Gene: PRAMEF14 (PRAME family member 14; minus strand). Cytogenetic location: 1p36.21.
Variant type: single nucleotide variant.
Coding change: c.1362C>T on transcript NM_001024661.2 (MANE Select); coding-DNA position 1362, C replaced by T.
Protein change: p.Pro454=; no amino-acid change (proline 454 retained).
Molecular consequence: synonymous variant.
Genome position (GRCh38, 1-based): chr1:13,342,591, G>A on the plus strand (C>T on the coding strand, the complement: PRAMEF14 is on the minus strand). VCF-style: chr1-13342591-G-A. GRCh37 (hg19) VCF-style: chr1-13668968-G-A.
Identifiers: ClinVar variation 2638282 (VCV002638282.24), dbSNP rs1640342611, ClinGen allele CA416342386.